The following is an entry in ClinVar:

NM_001135146.2(SLC39A8):c.1042G>A (p.Glu348Lys)

Genes: SLC39A8 (solute carrier family 39 member 8; minus strand), LOC126807125 (MED14-independent group 3 enhancer GRCh37_chr4:103188587-103189786; plus strand). Cytogenetic location: 4q24.
Variant type: single nucleotide variant.
Coding change: c.1042G>A on transcript NM_001135146.2 (MANE Select); coding-DNA position 1042, G replaced by A.
Protein change: p.Glu348Lys; replaces glutamic acid 348 with lysine.
Molecular consequence: missense variant.
Genome position (GRCh38, 1-based): chr4:102,267,878, C>T on the plus strand (G>A on the coding strand, the complement: SLC39A8 is on the minus strand). VCF-style: chr4-102267878-C-T. GRCh37 (hg19) VCF-style: chr4-103189035-C-T.
Other names: c.1042G>A, p.Glu348Lys (NM_001135147.1, NM_022154.5); c.841G>A, p.Glu281Lys (NM_001135148.2); short protein forms E348K, E281K.
Identifiers: ClinVar variation 1973687 (VCV001973687.6), dbSNP rs1422831231, ClinGen allele CA357749806.

ClinVar aggregate classification (germline): Uncertain significance (1 of 4 stars; one submission).

Submissions (2):

Labcorp Genetics (formerly Invitae), Labcorp
Classification: Uncertain significance. Last evaluated: 2024-10-23. Review status: criteria provided, single submitter. Criteria: Invitae Variant Classification Sherloc (09022015). Collection method: clinical testing. Allele origin: germline.
Comment: This sequence change replaces glutamic acid, which is acidic and polar, with lysine, which is basic and polar, at codon 348 of the SLC39A8 protein (p.Glu348Lys). This variant is not present in population databases (gnomAD no frequency). This variant has not been reported in the literature in individuals affected with SLC39A8-related conditions. ClinVar contains an entry for this variant (Variation ID: 1973687). Invitae Evidence Modeling of protein sequence and biophysical properties (such as structural, functional, and spatial information, amino acid conservation, physicochemical variation, residue mobility, and thermodynamic stability) has been performed for this missense variant. However, the output from this modeling did not meet the statistical confidence thresholds required to predict the impact of this variant on SLC39A8 protein function. In summary, the available evidence is currently insufficient to determine the role of this variant in disease. Therefore, it has been classified as a Variant of Uncertain Significance.

Dr. Peter K. Rogan Lab, Western University
No classification provided (evidence only). Condition: Melanoma. Review status: no classification provided. Collection method: in vitro. Allele origin: not applicable. Functional consequence: retained intron. Not counted in ClinVar's aggregate classification.